The following is an entry in ClinVar:

NM_139319.3(SLC17A8):c.473+2T>C

Gene: SLC17A8 (solute carrier family 17 member 8; plus strand). Cytogenetic location: 12q23.1.
Variant type: single nucleotide variant.
Coding change: c.473+2T>C on transcript NM_139319.3 (MANE Select); the canonical splice donor site of the intron after coding-DNA position 473, T replaced by C.
Molecular consequence: splice donor variant.
Genome position (GRCh38, 1-based): chr12:100,391,121, T>C. VCF-style: chr12-100391121-T-C. GRCh37 (hg19) VCF-style: chr12-100784899-T-C.
Other names: c.473+2T>C (NM_139319.2, NM_001145288.2).
Identifiers: ClinVar variation 1182980 (VCV001182980.8), dbSNP rs201585182, ClinGen allele CA6738750.

ClinVar aggregate classification (germline): Uncertain significance. Review status: criteria provided, multiple submitters, no conflicts (2 of 4 stars). 3 submissions from 3 submitters: Uncertain significance (3). Last evaluated 2025-09-02.

Conditions:
SLC17A8-related disorder. Also called: SLC17A8-related condition.

Allele frequency attached by ClinVar (database versions not stated): gnomAD 0.00003 and 0.00004; ExAC 0.00004; gnomAD exomes 0.00004 and 0.00012; TOPMed 0.00005; ESP Exome Variant Server 0.00015.
gnomAD v4.1: 167 of 1,567,122 alleles (0.011%); highest among the groups gnomAD compares: Non-Finnish European, 0.015%; no homozygotes.

Submissions (3):

PreventionGenetics, part of Exact Sciences
Classification: Uncertain significance for SLC17A8-related condition. Last evaluated: 2025-09-02. Review status: criteria provided, single submitter. Criteria: ACMG Guidelines, 2015. Collection method: clinical testing. Allele origin: germline.
Comment: The SLC17A8 c.473+2T>C variant is predicted to disrupt the GT donor site and interfere with normal splicing. This variant is predicted to alter splicing based on available splicing prediction software (SpliceAI, Jaganathan et al. 2019. PubMed ID: 30661751). Loss-of function is currently not established mechanism for this gene. To our knowledge, this variant has not been reported in the literature. In population database gnomAD v4 (available only on GRCh38), this variant is reported in 167 alleles globally, which is likely too common for a pathogenic variant. Although we suspect that this variant may be benign, at this time, the clinical significance of this variant is uncertain due to the absence of conclusive functional and genetic evidence.

Labcorp Genetics (formerly Invitae), Labcorp
Classification: Uncertain significance. Last evaluated: 2023-12-19. Review status: criteria provided, single submitter. Criteria: Invitae Variant Classification Sherloc (09022015). Collection method: clinical testing. Allele origin: germline.
Comment: This sequence change affects a donor splice site in intron 3 of the SLC17A8 gene. It is expected to disrupt RNA splicing. Variants that disrupt the donor or acceptor splice site typically lead to a loss of protein function (PMID: 16199547), however the current clinical and genetic evidence is not sufficient to establish whether loss-of-function variants in SLC17A8 cause disease. This variant is present in population databases (rs201585182, gnomAD 0.008%). This variant has not been reported in the literature in individuals affected with SLC17A8-related conditions. ClinVar contains an entry for this variant (Variation ID: 1182980). Algorithms developed to predict the effect of sequence changes on RNA splicing suggest that this variant may disrupt the consensus splice site. In summary, the available evidence is currently insufficient to determine the role of this variant in disease. Therefore, it has been classified as a Variant of Uncertain Significance.

GeneDx
Classification: Uncertain significance. Last evaluated: 2020-04-09. Review status: criteria provided, single submitter. Criteria: GeneDx Variant Classification Process June 2021. Collection method: clinical testing. Allele origin: germline. Affected: yes.
Comment: Canonical splice site variant predicted to result in a null allele in a gene for which loss-of-function is a known mechanism of disease; Has not been previously published as pathogenic or benign to our knowledge

Literature cited by the submitters: PubMed 16199547 (cited by Labcorp Genetics (formerly Invitae), Labcorp).